The following is an entry in ClinVar:

ClinVar aggregate classification (germline): Uncertain significance. Review status: criteria provided, single submitter (1 of 4 stars). 2 submissions from 2 submitters: Uncertain significance (1). 1 of the submissions does not count toward it. Last evaluated 2018-01-13.

Conditions:
Microcephalic osteodysplastic primordial dwarfism type II (MOPD2). Also called: Microcephalic osteodysplastic primordial dwarfism with tooth abnormalities; MOPD II; OSTEODYSPLASTIC PRIMORDIAL DWARFISM, TYPE II. Identifiers: Orphanet 2637, MedGen C0432246, MONDO:0008872, OMIM 210720.
PCNT-related disorder. Also called: PCNT-related condition.

gnomAD v4.1: 7 of 1,613,876 alleles (0.00043%); highest among the groups gnomAD compares: African/African-American, 0.004%; no homozygotes.

Submissions (2):

Illumina Laboratory Services, Illumina
Classification: Uncertain significance for Microcephalic osteodysplastic primordial dwarfism type II. Last evaluated: 2018-01-13. Review status: criteria provided, single submitter. Criteria: ICSL Variant Classification Criteria 13 December 2019. Collection method: clinical testing. Allele origin: germline.

PreventionGenetics, part of Exact Sciences
Classification: Uncertain significance for PCNT-related condition. Last evaluated: 2024-06-28. Review status: no assertion criteria provided. Collection method: clinical testing. Allele origin: germline. Not counted in ClinVar's aggregate classification.
Comment: The PCNT c.1483A>G variant is predicted to result in the amino acid substitution p.Thr495Ala. To our knowledge, this variant has not been reported in the literature or in a large population database, indicating this variant is rare. At this time, the clinical significance of this variant is uncertain due to the absence of conclusive functional and genetic evidence.

NM_006031.6(PCNT):c.1483A>G (p.Thr495Ala)

Gene: PCNT (pericentrin; plus strand). Cytogenetic location: 21q22.3.
Variant type: single nucleotide variant.
Coding change: c.1483A>G on transcript NM_006031.6 (MANE Select); coding-DNA position 1483, A replaced by G.
Protein change: p.Thr495Ala; replaces threonine 495 with alanine.
Molecular consequence: missense variant.
Genome position (GRCh38, 1-based): chr21:46,353,130, A>G. VCF-style: chr21-46353130-A-G. GRCh37 (hg19) VCF-style: chr21-47773044-A-G.
Other names: c.1129A>G, p.Thr377Ala (NM_001315529.2); short protein forms T495A, T377A.
Identifiers: ClinVar variation 896755 (VCV000896755.5), dbSNP rs2084338403, ClinGen allele CA410559846.